The following is an entry in ClinVar:

ClinVar aggregate classification (germline): not provided (0 of 4 stars; one submission).

Allele frequency attached by ClinVar (database versions not stated): gnomAD 0.00149 and 0.00153; gnomAD exomes 0.00167; 1000 Genomes Project 0.00240.

Submission:

Human Evolutionary Genetics, Institut Pasteur
No classification provided. Review status: no classification provided. Collection method: not provided. Allele origin: germline.
ClinVar note: Converted during submission from untested to not provided.

NM_001276700.2(NLRP6):c.2538-87G>A

Gene: NLRP6 (NLR family pyrin domain containing 6; plus strand). Cytogenetic location: 11p15.5.
Variant type: single nucleotide variant.
Coding change: c.2538-87G>A on transcript NM_001276700.2 (MANE Select); 87 bases into the intron before coding-DNA position 2538, G replaced by A.
Molecular consequence: intron variant.
Genome position (GRCh38, 1-based): chr11:285,079, G>A. VCF-style: chr11-285079-G-A. GRCh37 (hg19) VCF-style: chr11-285079-G-A.
Other names: c.2541-87G>A (NM_138329.2).
Identifiers: ClinVar variation 103242 (VCV000103242.2), dbSNP rs199475816, ClinGen allele CA230306.